The following is an entry in ClinVar:

ClinVar aggregate classification (germline): Likely pathogenic (1 of 4 stars; one submission).

Conditions:
Cardiovascular phenotype. Identifiers: MedGen CN230736.

Submission:

Molecular Diagnostic Laboratory for Inherited Cardiovascular Disease, Montreal Heart Institute
Classification: Likely pathogenic for Cardiovascular phenotype. Last evaluated: 2025-03-19. Review status: criteria provided, single submitter. Criteria: ACMG Guidelines, 2015. Collection method: clinical testing. Allele origin: germline. Affected: yes.
Comment: PVS1, PM2

NM_005902.4(SMAD3):c.747del (p.His249fs)

Gene: SMAD3 (SMAD family member 3; plus strand). Cytogenetic location: 15q22.33.
Variant type: Deletion.
Coding change: c.747del on transcript NM_005902.4 (MANE Select); coding-DNA position 747, one base deleted (C; older notation c.747delC).
Protein change: p.His249fs; shifts the reading frame from histidine 249.
Molecular consequence: frameshift variant.
Genome position (GRCh38, 1-based): chr15:67,181,329, C deleted. VCF-style (leftmost placement, unchanged base first): chr15-67181328-AC-A. GRCh37 (hg19) VCF-style: chr15-67473666-AC-A.
Other names: c.432del, p.His144fs (NM_001145102.2, NM_001407016.1); c.615del, p.His205fs (NM_001145103.2, NM_001407012.1); c.162del, p.His54fs (NM_001145104.2, NM_001407017.1); c.747del, p.His249fs (NM_001407011.1, NM_001407013.1); c.600del, p.His200fs (NM_001407014.1); c.300del, p.His100fs (NM_001407015.1); short protein forms H100fs, H144fs, H200fs, H205fs, H249fs, H54fs.
Identifiers: ClinVar variation 3895456 (VCV003895456.1).
Genomic context (GRCh38, chr15:67,181,328, plus strand): 5'-CGGCCTTCTGGTGCTCCATCTCCTACTACGAGCTGAACCAGCGCGTCGGGGAGACATTCC[AC>A]GCCTCGCAGCCATCCATGACTGTGGATGGCTTCACCGACCCCTCCAATTCGGAGCGCTTC-3'